The following is an entry in ClinVar:

ClinVar aggregate classification (germline): Likely benign. Review status: criteria provided, multiple submitters, no conflicts (2 of 4 stars). 3 submissions from 3 submitters: Likely benign (3). Last evaluated 2024-09-06.

Conditions:
Cardiovascular phenotype. Identifiers: MedGen CN230736.
Dilated cardiomyopathy 1JJ (CMD1JJ). Identifiers: Orphanet 154, MedGen C3808935, MONDO:0014095, OMIM 615235.

Allele frequency attached by ClinVar (database versions not stated): ExAC 0.00001; gnomAD exomes 0.00001 and 0.00003; TOPMed 0.00003.
gnomAD v4.1: 13 of 1,614,088 alleles (0.00081%); highest among the groups gnomAD compares: Admixed American, 0.005%; 1 homozygote.

Submissions (3):

Labcorp Genetics (formerly Invitae), Labcorp
Classification: Likely benign for Dilated cardiomyopathy 1JJ. Last evaluated: 2024-09-06. Review status: criteria provided, single submitter. Criteria: Invitae Variant Classification Sherloc (09022015). Collection method: clinical testing. Allele origin: germline.

Ambry Genetics
Classification: Likely benign for Cardiovascular phenotype. Last evaluated: 2021-05-24. Review status: criteria provided, single submitter. Criteria: Ambry Variant Classification Scheme 2023. Collection method: clinical testing. Allele origin: germline.

GeneDx
Classification: Likely benign. Last evaluated: 2016-03-04. Review status: criteria provided, single submitter. Criteria: GeneDx Variant Classification (06012015). Collection method: clinical testing. Allele origin: germline. Affected: yes.
Comment: This variant is considered likely benign or benign based on one or more of the following criteria: it is a conservative change, it occurs at a poorly conserved position in the protein, it is predicted to be benign by multiple in silico algorithms, and/or has population frequency not consistent with disease.

NM_001105206.3(LAMA4):c.945C>T (p.Asn315=)

Gene: LAMA4 (laminin subunit alpha 4; minus strand). Cytogenetic location: 6q21.
Variant type: single nucleotide variant.
Coding change: c.945C>T on transcript NM_001105206.3 (MANE Select); coding-DNA position 945, C replaced by T.
Protein change: p.Asn315=; no amino-acid change (asparagine 315 retained).
Molecular consequence: synonymous variant.
Genome position (GRCh38, 1-based): chr6:112,187,471, G>A on the plus strand (C>T on the coding strand, the complement: LAMA4 is on the minus strand). VCF-style: chr6-112187471-G-A. GRCh37 (hg19) VCF-style: chr6-112508673-G-A.
Other names: c.924C>T, p.Asn308= (NM_001105207.3, NM_002290.5); c.924C>T (LRG_433t2).
Identifiers: ClinVar variation 384446 (VCV000384446.11), dbSNP rs782772720, ClinGen allele CA3965984.